The following is an entry in ClinVar:

ClinVar aggregate classification (germline): Likely benign (1 of 4 stars; one submission).

gnomAD v4.1: 8,322 of 1,608,042 alleles (0.52%); highest among the groups gnomAD compares: Non-Finnish European, 0.45%; 82 homozygotes.

Submission:

CeGaT Center for Human Genetics Tuebingen
Classification: Likely benign. Last evaluated: 2026-08-01. Review status: criteria provided, single submitter. Criteria: CeGaT Center For Human Genetics Tuebingen Variant Classification Criteria Version 2. Collection method: clinical testing. Allele origin: germline. Affected: yes. Observed: 3 variant alleles.
Comment: MED16: BP4, BP7, BS2

NM_005481.3(MED16):c.1620G>A (p.Thr540=)

Gene: MED16 (mediator complex subunit 16; minus strand). Cytogenetic location: 19p13.3.
Variant type: single nucleotide variant.
Coding change: c.1620G>A on transcript NM_005481.3 (MANE Select); coding-DNA position 1620, G replaced by A.
Protein change: p.Thr540=; no amino-acid change (threonine 540 retained).
Molecular consequence: synonymous variant.
Genome position (GRCh38, 1-based): chr19:875,395, C>T on the plus strand (G>A on the coding strand, the complement: MED16 is on the minus strand). VCF-style: chr19-875395-C-T. GRCh37 (hg19) VCF-style: chr19-875395-C-T.
Identifiers: ClinVar variation 4872049 (VCV004872049.2).